The following is an entry in ClinVar:

ClinVar aggregate classification (germline): Uncertain significance (1 of 4 stars; one submission).

Conditions:
Inborn genetic diseases. Identifiers: MedGen C0950123, MeSH D030342.

Submission:

Ambry Genetics
Classification: Uncertain significance for Inborn genetic diseases. Last evaluated: 2022-03-15. Review status: criteria provided, single submitter. Criteria: Ambry Variant Classification Scheme 2023. Collection method: clinical testing. Allele origin: germline.
Comment: The c.2016G>C (p.K672N) alteration is located in exon 18 (coding exon 17) of the AASS gene. This alteration results from a G to C substitution at nucleotide position 2016, causing the lysine (K) at amino acid position 672 to be replaced by an asparagine (N). This variant was not reported in population-based cohorts in the Genome Aggregation Database (gnomAD). This nucleotide position is highly conserved in available vertebrate species. In silico splice site analysis predicts that this alteration will weaken the native splice donor site. Based on insufficient or conflicting evidence, the clinical significance of this alteration remains unclear.

NM_005763.4(AASS):c.2016G>C (p.Lys672Asn)

Gene: AASS (aminoadipate-semialdehyde synthase; minus strand). Cytogenetic location: 7q31.32.
Variant type: single nucleotide variant.
Coding change: c.2016G>C on transcript NM_005763.4 (MANE Select); coding-DNA position 2016, G replaced by C.
Protein change: p.Lys672Asn; replaces lysine 672 with asparagine.
Molecular consequence: missense variant.
Genome position (GRCh38, 1-based): chr7:122,091,703, C>G on the plus strand (G>C on the coding strand, the complement: AASS is on the minus strand). VCF-style: chr7-122091703-C-G. GRCh37 (hg19) VCF-style: chr7-121731757-C-G.
Other names: short protein forms K672N.
Identifiers: ClinVar variation 2275613 (VCV002275613.3), dbSNP rs1288280443, ClinGen allele CA369035853.